The following is an entry in ClinVar:

NM_022095.4(ZNF335):c.3754-4G>A

Gene: ZNF335 (zinc finger protein 335; minus strand). Cytogenetic location: 20q13.12.
Variant type: single nucleotide variant.
Coding change: c.3754-4G>A on transcript NM_022095.4 (MANE Select); 4 bases into the intron before coding-DNA position 3754, G replaced by A.
Molecular consequence: intron variant.
Genome position (GRCh38, 1-based): chr20:45,949,402, C>T on the plus strand (G>A on the coding strand, the complement: ZNF335 is on the minus strand). VCF-style: chr20-45949402-C-T. GRCh37 (hg19) VCF-style: chr20-44578041-C-T.
Identifiers: ClinVar variation 3044910 (VCV003044910.2), dbSNP rs1254644501, ClinGen allele CA2653108501.

ClinVar aggregate classification (germline): Likely benign (0 of 4 stars; one submission).

Conditions:
ZNF335-related disorder. Also called: ZNF335-related condition.

Submission:

PreventionGenetics, part of Exact Sciences
Classification: Likely benign for ZNF335-related condition. Last evaluated: 2022-10-25. Review status: no assertion criteria provided. Collection method: clinical testing. Allele origin: germline.
Comment: This variant is classified as likely benign based on ACMG/AMP sequence variant interpretation guidelines (Richards et al. 2015 PMID: 25741868, with internal and published modifications).